The following is an entry in ClinVar:

ClinVar aggregate classification (germline): Conflicting classifications of pathogenicity. Review status: criteria provided, conflicting classifications (1 of 4 stars). 2 submissions from 2 submitters: Uncertain significance (1); Likely benign (1). Last evaluated 2023-03-23.

Conditions:
Hereditary cancer-predisposing syndrome. Also called: Hereditary neoplastic syndrome; Tumor predisposition; Hereditary Cancer Syndrome; Neoplastic Syndromes, Hereditary. Identifiers: Orphanet 140162, MedGen C0027672, MeSH D009386, MONDO:0015356.
Hereditary breast ovarian cancer syndrome. Also called: Hereditary breast and ovarian cancer syndrome; BRCA1- and BRCA2-Associated Hereditary Breast and Ovarian Cancer; Hereditary breast and ovarian cancer syndrome (HBOC); Hereditary breast and/or ovarian cancer syndrome; Hereditary breast and ovarian cancer; Breast and ovarian cancer. Identifiers: Orphanet 145, MedGen C0677776, MeSH D061325, MONDO:0003582. Disease mechanism: loss of function.

Submissions (2):

University of Washington Department of Laboratory Medicine, University of Washington
Classification: Likely benign for Hereditary cancer-predisposing syndrome. Last evaluated: 2023-03-23. Review status: criteria provided, single submitter. Criteria: Dines et al. (Genet Med. 2020). Collection method: curation. Allele origin: germline.
Comment: Missense variant in a coldspot region where missense variants are very unlikely to be pathogenic (PMID:31911673).

BRCA2 exon 11 coldspot. Reclassification based on statistical prior probability.

Labcorp Genetics (formerly Invitae), Labcorp
Classification: Uncertain significance for Hereditary breast ovarian cancer syndrome. Last evaluated: 2022-04-14. Review status: criteria provided, single submitter. Criteria: Invitae Variant Classification Sherloc (09022015). Collection method: clinical testing. Allele origin: germline.
Comment: Advanced modeling of protein sequence and biophysical properties (such as structural, functional, and spatial information, amino acid conservation, physicochemical variation, residue mobility, and thermodynamic stability) performed at Invitae indicates that this missense variant is not expected to disrupt BRCA2 protein function. In summary, the available evidence is currently insufficient to determine the role of this variant in disease. Therefore, it has been classified as a Variant of Uncertain Significance. This variant has not been reported in the literature in individuals affected with BRCA2-related conditions. This variant is not present in population databases (gnomAD no frequency). This sequence change replaces asparagine, which is neutral and polar, with lysine, which is basic and polar, at codon 2146 of the BRCA2 protein (p.Asn2146Lys).

NM_000059.4(BRCA2):c.6438T>A (p.Asn2146Lys)

Gene: BRCA2 (BRCA2 DNA repair associated; plus strand). Cytogenetic location: 13q13.1.
Variant type: single nucleotide variant.
Coding change: c.6438T>A on transcript NM_000059.4 (MANE Select); coding-DNA position 6438, T replaced by A.
Protein change: p.Asn2146Lys; replaces asparagine 2146 with lysine.
Molecular consequence: missense variant.
Genome position (GRCh38, 1-based): chr13:32,340,793, T>A. VCF-style: chr13-32340793-T-A. GRCh37 (hg19) VCF-style: chr13-32914930-T-A.
Other names: c.6438T>A, p.Asn2146Lys (NM_001406719.1, NM_001406720.1); short protein forms N2146K.
Identifiers: ClinVar variation 2126142 (VCV002126142.6), dbSNP rs1555284698, ClinGen allele CA387789307.